The following is an entry in ClinVar:

NM_201253.3(CRB1):c.1949G>A (p.Trp650Ter)

Gene: CRB1 (crumbs cell polarity complex component 1; plus strand). Cytogenetic location: 1q31.3.
Variant type: single nucleotide variant.
Coding change: c.1949G>A on transcript NM_201253.3 (MANE Select); coding-DNA position 1949, G replaced by A.
Protein change: p.Trp650Ter; replaces tryptophan 650 with a stop codon.
Molecular consequence: nonsense. On other transcripts: non-coding transcript variant (2).
Genome position (GRCh38, 1-based): chr1:197,421,777, G>A. VCF-style: chr1-197421777-G-A. GRCh37 (hg19) VCF-style: chr1-197390907-G-A.
Other names: c.1613G>A, p.Trp538Ter (NM_001193640.2); c.1742G>A, p.Trp581Ter (NM_001257965.2); c.1949G>A, p.Trp650Ter (NM_001257966.2); short protein forms W581*, W538*, W650*.
Identifiers: ClinVar variation 938912 (VCV000938912.10), dbSNP rs1664341626, ClinGen allele CA344033034.

ClinVar aggregate classification (germline): Pathogenic. Review status: criteria provided, multiple submitters, no conflicts (2 of 4 stars). 2 submissions from 2 submitters: Pathogenic (2). Last evaluated 2022-06-13.

Conditions:
CRB1-related disorder. Also called: CRB1-related condition; CRB1-related disorders.
Leber congenital amaurosis 8 (LCA8). Identifiers: Orphanet 65, MedGen C3151202, MONDO:0013453, OMIM 613835.
Retinitis pigmentosa 12 (RP12). Also called: RP WITH OR WITHOUT PPRPE; RP WITH OR WITHOUT PRESERVED PARAARTERIOLE RETINAL PIGMENT EPITHELIUM; RETINITIS PIGMENTOSA WITH OR WITHOUT PARAARTERIOLAR PRESERVATION OF RETINAL PIGMENT EPITHELIUM. Identifiers: Orphanet 791, MedGen C1838647, MONDO:0010818, OMIM 600105.

Submissions (2):

Labcorp Genetics (formerly Invitae), Labcorp
Classification: Pathogenic for Leber congenital amaurosis 8; Retinitis pigmentosa 12. Last evaluated: 2022-06-13. Review status: criteria provided, single submitter. Criteria: Invitae Variant Classification Sherloc (09022015). Collection method: clinical testing. Allele origin: germline.
Comment: For these reasons, this variant has been classified as Pathogenic. ClinVar contains an entry for this variant (Variation ID: 938912). This premature translational stop signal has been observed in individual(s) with Leber congenital amaurosis (PMID: 17964524). This variant is not present in population databases (gnomAD no frequency). This sequence change creates a premature translational stop signal (p.Trp650*) in the CRB1 gene. It is expected to result in an absent or disrupted protein product. Loss-of-function variants in CRB1 are known to be pathogenic (PMID: 10508521, 22065545, 23379534, 25412400, 26957898, 28041643, 29391521).

Blueprint Genetics
Classification: Pathogenic for CRB1-related disorders. Last evaluated: 2021-09-03. Review status: criteria provided, single submitter. Criteria: ACMG Guidelines, 2015. Collection method: clinical testing. Allele origin: germline. Affected: yes. Observed: 1 variant allele.

Literature cited by the submitters: PubMed 17964524 (cited by Labcorp Genetics (formerly Invitae), Labcorp); PubMed 10508521 (cited by Labcorp Genetics (formerly Invitae), Labcorp); PubMed 22065545 (cited by Labcorp Genetics (formerly Invitae), Labcorp); PubMed 23379534 (cited by Labcorp Genetics (formerly Invitae), Labcorp); PubMed 25412400 (cited by Labcorp Genetics (formerly Invitae), Labcorp); PubMed 26957898 (cited by Labcorp Genetics (formerly Invitae), Labcorp); PubMed 28041643 (cited by Labcorp Genetics (formerly Invitae), Labcorp); PubMed 29391521 (cited by Labcorp Genetics (formerly Invitae), Labcorp).